The following is an entry in ClinVar:

ClinVar aggregate classification (germline): Uncertain significance (1 of 4 stars; one submission).

Conditions:
SCN1A-related disorder. Also called: SCN1A-related disorders; SCN1A-related conditions; SCN1A-related condition.

Submission:

3billion
Classification: Uncertain significance for SCN1A-related disorder. Last evaluated: 2025-09-22. Review status: criteria provided, single submitter. Criteria: ACMG Guidelines, 2015. Collection method: clinical testing. Allele origin: germline. Affected: yes.
Comment: The variant is not observed in the gnomAD v4.1.0 dataset. Predicted Consequence/Location: Missense variant In silico tool predictions suggest damaging effect of the variant on gene or gene product [REVEL: 0.84 (>=0.6, sensitivity 0.68 and specificity 0.92); 3Cnet: 1.00 (> 0.75, sensitivity 0.96 and precision 0.92)]. Different missense changes at the same codon have been reported as of uncertain significance (ClinVar ID: VCV000656722). Therefore, this variant is classified as VUS according to the recommendation of ACMG/AMP guideline.

NM_001165963.4(SCN1A):c.266C>A (p.Thr89Asn)

Gene: SCN1A (sodium voltage-gated channel alpha subunit 1; minus strand). Cytogenetic location: 2q24.3.
Variant type: single nucleotide variant.
Coding change: c.266C>A on transcript NM_001165963.4 (MANE Select); coding-DNA position 266, C replaced by A.
Protein change: p.Thr89Asn; replaces threonine 89 with asparagine.
Molecular consequence: missense variant. On other transcripts: 5 prime UTR variant (1), non-coding transcript variant (1).
Genome position (GRCh38, 1-based): chr2:166,058,687, G>T on the plus strand (C>A on the coding strand, the complement: SCN1A is on the minus strand). VCF-style: chr2-166058687-G-T. GRCh37 (hg19) VCF-style: chr2-166915197-G-T.
Other names: c.266C>A, p.Thr89Asn (NM_001165964.3, NM_001202435.3, NM_001353948.2 and 10 more transcripts); c.-2160C>A (NM_001353961.2); short protein forms T89N.
Identifiers: ClinVar variation 4854602 (VCV004854602.1).
Genomic context (GRCh38, chr2:166,058,687, plus strand): 5'-TACAGGGCAGAGGTGGCACTGAACCGGAAGATGGCCTTCCCTTTATTCAATACTATAAAA[G>T]TCTGTAAGACAGGAACACAACATAGAAGTATGAAAGTATAAACCACTTAAACTCTGTTAT-3'
Protein context (NP_001159435.1, residues 79-99): DLDPYYINKK[Thr89Asn]FIVLNKGKAI